The following is an entry in ClinVar:

NM_001329943.3(KIAA0586):c.2943T>G (p.Ile981Met)

Gene: KIAA0586 (KIAA0586; plus strand). Cytogenetic location: 14q23.1.
Variant type: single nucleotide variant.
Coding change: c.2943T>G on transcript NM_001329943.3 (MANE Select); coding-DNA position 2943, T replaced by G.
Protein change: p.Ile981Met; replaces isoleucine 981 with methionine.
Molecular consequence: missense variant.
Genome position (GRCh38, 1-based): chr14:58,477,240, T>G. VCF-style: chr14-58477240-T-G. GRCh37 (hg19) VCF-style: chr14-58943958-T-G.
Other names: c.3102T>G, p.Ile1034Met (NM_001244189.2); c.2898T>G, p.Ile966Met (NM_001244190.2); c.2688T>G, p.Ile896Met (NM_001244191.2, NM_001329945.2, NM_001364700.1 and 1 more transcripts); c.2811T>G, p.Ile937Met (NM_001244192.2); c.2523T>G, p.Ile841Met (NM_001244193.2); c.2943T>G, p.Ile981Met (NM_001329944.2, NM_001329946.2, NM_001329947.2); c.2715T>G, p.Ile905Met (NM_014749.5); c.2715T>G (NM_014749.3); short protein forms I1034M, I896M, I966M, I905M, I937M, I841M, I981M.
Identifiers: ClinVar variation 1492073 (VCV001492073.4), dbSNP rs370778483, ClinGen allele CA7206008.

ClinVar aggregate classification (germline): Uncertain significance. Review status: criteria provided, multiple submitters, no conflicts (2 of 4 stars). 2 submissions from 2 submitters: Uncertain significance (2). Last evaluated 2022-05-21.

Conditions:
Joubert syndrome 23 (JBTS23). Identifiers: Orphanet 475, MedGen C4084822, MONDO:0014664, OMIM 616490.
Short-rib thoracic dysplasia 14 with polydactyly (SRTD14). Identifiers: Orphanet 397715, MedGen C4225286, MONDO:0014688, OMIM 616546.
Inborn genetic diseases. Identifiers: MedGen C0950123, MeSH D030342.

Allele frequency attached by ClinVar (database versions not stated): ExAC 0.00003; gnomAD exomes 0.00005; gnomAD 0.00007; ESP Exome Variant Server 0.00008; TOPMed 0.00009.

Submissions (2):

Labcorp Genetics (formerly Invitae), Labcorp
Classification: Uncertain significance for Joubert syndrome 23; Short-rib thoracic dysplasia 14 with polydactyly. Last evaluated: 2022-05-21. Review status: criteria provided, single submitter. Criteria: Invitae Variant Classification Sherloc (09022015). Collection method: clinical testing. Allele origin: germline.
Comment: This sequence change replaces isoleucine, which is neutral and non-polar, with methionine, which is neutral and non-polar, at codon 1034 of the KIAA0586 protein (p.Ile1034Met). This variant is present in population databases (rs370778483, gnomAD 0.01%). This variant has not been reported in the literature in individuals affected with KIAA0586-related conditions. Algorithms developed to predict the effect of missense changes on protein structure and function are either unavailable or do not agree on the potential impact of this missense change (SIFT: "Deleterious"; PolyPhen-2: "Benign"; Align-GVGD: "Class C0"). In summary, the available evidence is currently insufficient to determine the role of this variant in disease. Therefore, it has been classified as a Variant of Uncertain Significance.

Ambry Genetics
Classification: Uncertain significance for Inborn genetic diseases. Last evaluated: 2021-08-02. Review status: criteria provided, single submitter. Criteria: Ambry Variant Classification Scheme 2023. Collection method: clinical testing. Allele origin: germline.